The following is an entry in ClinVar:

ClinVar aggregate classification (germline): Likely benign (1 of 4 stars; one submission).

gnomAD v4.1: 34 of 1,613,798 alleles (0.0021%); highest among the groups gnomAD compares: African/African-American, 0.043%; no homozygotes.

Submission:

CeGaT Center for Human Genetics Tuebingen
Classification: Likely benign. Last evaluated: 2026-07-01. Review status: criteria provided, single submitter. Criteria: CeGaT Center For Human Genetics Tuebingen Variant Classification Criteria Version 2. Collection method: clinical testing. Allele origin: germline. Affected: yes. Observed: 1 variant allele.
Comment: DOT1L: BP4

NM_032482.3(DOT1L):c.1631G>A (p.Arg544Lys)

Genes: DOT1L-AS1 (DOT1L antisense RNA 1; minus strand), DOT1L (DOT1 like histone lysine methyltransferase; plus strand). Cytogenetic location: 19p13.3.
Variant type: single nucleotide variant.
Coding change: c.1631G>A on transcript NM_032482.3 (MANE Select); coding-DNA position 1631, G replaced by A.
Protein change: p.Arg544Lys; replaces arginine 544 with lysine.
Molecular consequence: missense variant.
Genome position (GRCh38, 1-based): chr19:2,213,612, G>A. VCF-style: chr19-2213612-G-A. GRCh37 (hg19) VCF-style: chr19-2213611-G-A.
Other names: c.1631G>A, p.Arg544Lys (NM_001411141.1); short protein forms R544K.
Identifiers: ClinVar variation 5039872 (VCV005039872.1).
Genomic context (GRCh38, chr19:2,213,612, plus strand): 5'-AGCTCCTGGGTGCGGCTCAGCAGCTCCTCAGCCACTGCCAGGCCCAGAAGGAGGAGATCA[G>A]GAGGCTGTTTCAGCAAAAATTGGATGAGGTAGTGGACCCCAGAGGGCAGGTGGCAGGTGG-3'
Protein context (NP_115871.1, residues 534-554): SHCQAQKEEI[Arg544Lys]RLFQQKLDEL